The following is an entry in ClinVar:

NM_021619.3(PRDM12):c.1041CGC[18] (p.Ala354_Ala359dup)

Gene: PRDM12 (PR/SET domain 12; plus strand). Cytogenetic location: 9q34.12.
Variant type: Microsatellite.
Coding change: c.1041CGC[18] on transcript NM_021619.3 (MANE Select); 18 copies in a row of the 3-base unit CGC starting at c.1041; the reference has 12 copies in a row; six copies, 18 bases duplicated.
Protein change: p.Ala354_Ala359dup.
Molecular consequence: inframe insertion.
Genome position (GRCh38, 1-based): chr9:130,681,624-130,681,641, CGCCGCCGCCGCCGCCGC duplicated; duplicating any 18 consecutive bases within chr9:130,681,606-130,681,641 gives the same sequence; the position shown is the placement nearest the transcript's 3' end. VCF-style (leftmost placement, unchanged base first): chr9-130681605-T-TCGCCGCCGCCGCCGCCGC. GRCh37 (hg19) VCF-style: chr9-133556992-T-TCGCCGCCGCCGCCGCCGC.
Other names: c.1059_1076dup18 (NM_021619.2).
Identifiers: ClinVar variation 848182 (VCV000848182.5), dbSNP rs752427775, ClinGen allele CA860448225.

ClinVar aggregate classification (germline): Likely pathogenic. Review status: criteria provided, multiple submitters, no conflicts (2 of 4 stars). 2 submissions from 2 submitters: Likely pathogenic (2). Last evaluated 2026-03-23.

Conditions:
Congenital insensitivity to pain-hypohidrosis syndrome. Also called: HSAN VIII; Neuropathy, hereditary sensory and autonomic, type VIII. Identifiers: Orphanet 478664, MedGen C4225308, MONDO:0014662, OMIM 616488.
PRDM12-related disorder. Also called: PRDM12-related condition.

Submissions (2):

PreventionGenetics, part of Exact Sciences
Classification: Likely pathogenic for PRDM12-related condition. Last evaluated: 2026-03-23. Review status: criteria provided, single submitter. Criteria: ACMG Guidelines, 2015. Collection method: clinical testing. Allele origin: germline.
Comment: The PRDM12 c.1059_1076dup18 variant is predicted to result in an in-frame duplication (p.Ala354_Ala359dup). The reference number of alanine residues in this repeat region is typically 12 and this expansion would result in 18 alanine residues. An expansion of this alanine repeat region to 18 or 19 alanine residues has been reported in the homozygous state in many individuals from several families with hereditary sensory and autonomic neuropathy type VIII (Supp. Fig 1, Family A and J in Chen et al. 2015. PubMed ID: 26005867; Moss et al. 2018. PubMed ID: 29949203). To our knowledge, this variant has not been reported in a large population database (gnomAD), indicating this variant is rare. This variant is interpreted as likely pathogenic.

Labcorp Genetics (formerly Invitae), Labcorp
Classification: Likely pathogenic for Congenital insensitivity to pain-hypohidrosis syndrome. Last evaluated: 2020-08-23. Review status: criteria provided, single submitter. Criteria: Invitae Variant Classification Sherloc (09022015). Collection method: clinical testing. Allele origin: germline.
Comment: This variant, c.1059_1076dup, results in the insertion of 6 amino acid(s) to the PRDM12 protein (p.Ala354_Ala359dup), but otherwise preserves the integrity of the reading frame. The frequency data for this variant in the population databases is considered unreliable, as metrics indicate insufficient coverage at this position in the ExAC database. This variant has been observed in individual(s) with autosomal recessive congenital insensitivity to pain (CIP) or midface toddler excoriation syndrome (MiTES) (PMID: 26005867, 31128170). It has also been observed to segregate with disease in related individuals. ClinVar contains an entry for this variant (Variation ID: 848182). This variant has been reported to have conflicting or insufficient data to determine the effect on PRDM12 protein function (PMID:26005867). In summary, the currently available evidence indicates that the variant is pathogenic, but additional data are needed to prove that conclusively. Therefore, this variant has been classified as Likely Pathogenic.

Literature cited by the submitters: PubMed 26005867 (cited by Labcorp Genetics (formerly Invitae), Labcorp); PubMed 31128170 (cited by Labcorp Genetics (formerly Invitae), Labcorp).